The following is an entry in ClinVar:

ClinVar aggregate classification (germline): Uncertain significance (1 of 4 stars; one submission).

Submission:

Ambry Genetics
Classification: Uncertain significance. Last evaluated: 2026-02-27. Review status: criteria provided, single submitter. Criteria: Ambry Variant Classification Scheme 2023. Collection method: clinical testing. Allele origin: germline.
Comment: The p.A2139T variant (also known as c.6415G>A), located in coding exon 27 of the WNK2 gene, results from a G to A substitution at nucleotide position 6415. The alanine at codon 2139 is replaced by threonine, an amino acid with similar properties. This amino acid position is conserved. In addition, this alteration is predicted to be tolerated by in silico analysis. Based on the available evidence, the clinical significance of this variant remains unclear.

NM_006648.4(WNK2):c.6415G>A (p.Ala2139Thr)

Gene: WNK2 (WNK lysine deficient protein kinase 2; plus strand). Cytogenetic location: 9q22.31.
Variant type: single nucleotide variant.
Coding change: c.6415G>A on transcript NM_006648.4 (MANE Select); coding-DNA position 6415, G replaced by A.
Protein change: p.Ala2139Thr; replaces alanine 2139 with threonine.
Molecular consequence: missense variant.
Genome position (GRCh38, 1-based): chr9:93,308,483, G>A. VCF-style: chr9-93308483-G-A. GRCh37 (hg19) VCF-style: chr9-96070765-G-A.
Other names: c.6526G>A, p.Ala2176Thr (NM_001282394.3); short protein forms A2139T, A2176T.
Identifiers: ClinVar variation 4826219 (VCV004826219.1).